The following is an entry in ClinVar:

ClinVar aggregate classification (germline): Benign (1 of 4 stars; one submission).

Conditions:
Familial hemophagocytic lymphohistiocytosis 4 (FHL4). Also called: STX11-Related Familial Hemophagocytic Lymphohistiocytosis (STX11-fHLH). Identifiers: Orphanet 540, MedGen C1863728, MONDO:0011336, OMIM 603552.

Allele frequency attached by ClinVar (database versions not stated): gnomAD 0.00670 and 0.00708; TOPMed 0.00733; 1000 Genomes Project 0.00759; 1000 Genomes Project 30x 0.00812.

Submission:

Illumina Laboratory Services, Illumina
Classification: Benign for Familial hemophagocytic lymphohistiocytosis 4. Last evaluated: 2017-04-27. Review status: criteria provided, single submitter. Criteria: ICSL Variant Classification Criteria 13 December 2019. Collection method: clinical testing. Allele origin: germline.
Comment: This variant was observed as part of a predisposition screen in an ostensibly healthy population. A literature search was performed for the gene, cDNA change, and amino acid change (where applicable). No publications were found based on this search. Allele frequency data from public databases was too high to be consistent with this variant causing disease. Therefore, this variant is classified as benign.

NM_003764.4(STX11):c.*1150A>G

Gene: STX11 (syntaxin 11; plus strand). Cytogenetic location: 6q24.2.
Variant type: single nucleotide variant.
Coding change: c.*1150A>G on transcript NM_003764.4 (MANE Select); 1150 bases downstream of the stop codon, A replaced by G.
Molecular consequence: 3 prime UTR variant.
Genome position (GRCh38, 1-based): chr6:144,188,641, A>G. VCF-style: chr6-144188641-A-G. GRCh37 (hg19) VCF-style: chr6-144509778-A-G.
Identifiers: ClinVar variation 904578 (VCV000904578.4), dbSNP rs183348903, ClinGen allele CA149824102.